The following is an entry in ClinVar:

ClinVar aggregate classification (germline): Uncertain significance (1 of 4 stars; one submission).

Submission:

Labcorp Genetics (formerly Invitae), Labcorp
Classification: Uncertain significance. Last evaluated: 2021-07-22. Review status: criteria provided, single submitter. Criteria: Invitae Variant Classification Sherloc (09022015). Collection method: clinical testing. Allele origin: germline.
Comment: In summary, the available evidence is currently insufficient to determine the role of this variant in disease. Therefore, it has been classified as a Variant of Uncertain Significance. Algorithms developed to predict the effect of missense changes on protein structure and function are either unavailable or do not agree on the potential impact of this missense change (SIFT: "Deleterious"; PolyPhen-2: "Possibly Damaging"; Align-GVGD: "Class C0"). This variant has not been reported in the literature in individuals affected with ASXL1-related conditions. This variant is not present in population databases (ExAC no frequency). This sequence change replaces aspartic acid with valine at codon 616 of the ASXL1 protein (p.Asp616Val). The aspartic acid residue is highly conserved and there is a large physicochemical difference between aspartic acid and valine.

NM_015338.6(ASXL1):c.1847A>T (p.Asp616Val)

Gene: ASXL1 (ASXL transcriptional regulator 1; plus strand). Cytogenetic location: 20q11.21.
Variant type: single nucleotide variant.
Coding change: c.1847A>T on transcript NM_015338.6 (MANE Select); coding-DNA position 1847, A replaced by T.
Protein change: p.Asp616Val; replaces aspartic acid 616 with valine.
Molecular consequence: missense variant.
Genome position (GRCh38, 1-based): chr20:32,434,559, A>T. VCF-style: chr20-32434559-A-T. GRCh37 (hg19) VCF-style: chr20-31022362-A-T.
Other names: c.1664A>T, p.Asp555Val (NM_001363734.1); short protein forms D616V, D555V.
Identifiers: ClinVar variation 1472137 (VCV001472137.8), dbSNP rs2145357585, ClinGen allele CA408558046.